The following is an entry in ClinVar:

ClinVar aggregate classification (germline): Uncertain significance (1 of 4 stars; one submission).

Conditions:
Immunodeficiency, common variable, 10. Also called: DEFICIT IN ANTERIOR PITUITARY FUNCTION AND VARIABLE IMMUNODEFICIENCY; IMMUNODEFICIENCY, COMMON VARIABLE, WITH CENTRAL ADRENAL INSUFFICIENCY. Identifiers: MedGen C3809991, MONDO:0014260, OMIM 615577.

Submission:

Labcorp Genetics (formerly Invitae), Labcorp
Classification: Uncertain significance for Immunodeficiency, common variable, 10. Last evaluated: 2022-12-07. Review status: criteria provided, single submitter. Criteria: Invitae Variant Classification Sherloc (09022015). Collection method: clinical testing. Allele origin: germline.
Comment: In summary, the available evidence is currently insufficient to determine the role of this variant in disease. Therefore, it has been classified as a Variant of Uncertain Significance. Algorithms developed to predict the effect of missense changes on protein structure and function are either unavailable or do not agree on the potential impact of this missense change (SIFT: "Deleterious"; PolyPhen-2: "Benign"; Align-GVGD: "Class C0"). This variant has not been reported in the literature in individuals affected with NFKB2-related conditions. This variant is present in population databases (no rsID available, gnomAD 0.006%). This sequence change replaces arginine, which is basic and polar, with glutamine, which is neutral and polar, at codon 301 of the NFKB2 protein (p.Arg301Gln).

NM_001322934.2(NFKB2):c.902G>A (p.Arg301Gln)

Gene: NFKB2 (nuclear factor kappa B subunit 2; plus strand). Cytogenetic location: 10q24.32.
Variant type: single nucleotide variant.
Coding change: c.902G>A on transcript NM_001322934.2 (MANE Select); coding-DNA position 902, G replaced by A.
Protein change: p.Arg301Gln; replaces arginine 301 with glutamine.
Molecular consequence: missense variant.
Genome position (GRCh38, 1-based): chr10:102,398,434, G>A. VCF-style: chr10-102398434-G-A. GRCh37 (hg19) VCF-style: chr10-104158191-G-A.
Other names: c.902G>A, p.Arg301Gln (NM_001077493.1, NM_001077494.3, NM_001261403.3 and 3 more transcripts); short protein forms R301Q.
Identifiers: ClinVar variation 2819135 (VCV002819135.3), dbSNP rs1458368934, ClinGen allele CA377897796.